The following is an entry in ClinVar:

ClinVar aggregate classification (germline): Uncertain significance (1 of 4 stars; one submission).

Allele frequency attached by ClinVar (database versions not stated): gnomAD 0.00001; gnomAD exomes 0.00001; ExAC 0.00003.
gnomAD v4.1: 17 of 1,516,084 alleles (0.0011%); highest among the groups gnomAD compares: South Asian, 0.019%; no homozygotes.

Submission:

Labcorp Genetics (formerly Invitae), Labcorp
Classification: Uncertain significance. Last evaluated: 2024-10-15. Review status: criteria provided, single submitter. Criteria: Invitae Variant Classification Sherloc (09022015). Collection method: clinical testing. Allele origin: germline.
Comment: This sequence change replaces isoleucine, which is neutral and non-polar, with valine, which is neutral and non-polar, at codon 368 of the IFT88 protein (p.Ile368Val). This variant is present in population databases (rs773966898, gnomAD 0.02%). This variant has not been reported in the literature in individuals affected with IFT88-related conditions. ClinVar contains an entry for this variant (Variation ID: 1918387). An algorithm developed to predict the effect of missense changes on protein structure and function (PolyPhen-2) suggests that this variant is likely to be tolerated. In summary, the available evidence is currently insufficient to determine the role of this variant in disease. Therefore, it has been classified as a Variant of Uncertain Significance.

NM_006531.5(IFT88):c.1075A>G (p.Ile359Val)

Gene: IFT88 (intraflagellar transport 88; plus strand). Cytogenetic location: 13q12.11.
Variant type: single nucleotide variant.
Coding change: c.1075A>G on transcript NM_006531.5 (MANE Select); coding-DNA position 1075, A replaced by G.
Protein change: p.Ile359Val; replaces isoleucine 359 with valine.
Molecular consequence: missense variant. On other transcripts: non-coding transcript variant (5).
Genome position (GRCh38, 1-based): chr13:20,605,068, A>G. VCF-style: chr13-20605068-A-G. GRCh37 (hg19) VCF-style: chr13-21179207-A-G.
Other names: c.1018A>G, p.Ile340Val (NM_001318491.2, NM_001353573.2, NM_001353575.2); c.1102A>G, p.Ile368Val (NM_001318493.2, NM_001353565.2, NM_001353566.2 and 2 more transcripts); c.1075A>G, p.Ile359Val (NM_001353568.2, NM_001353572.2); c.1000A>G, p.Ile334Val (NM_001353569.2, NM_001353570.2, NM_001353576.2 and 1 more transcripts); c.973A>G, p.Ile325Val (NM_001353571.2, NM_001353578.2); c.916A>G, p.Ile306Val (NM_001353574.2); c.442A>G, p.Ile148Val (NM_001353579.2); short protein forms I325V, I368V, I148V, I306V, I359V, I334V, I340V.
Identifiers: ClinVar variation 1918387 (VCV001918387.5), dbSNP rs773966898, ClinGen allele CA6905262.